The following is an entry in ClinVar:

NM_003011.4(SET):c.488_489del (p.Gly163fs)

Gene: SET (SET nuclear proto-oncogene; plus strand). Cytogenetic location: 9q34.11.
Variant type: Deletion.
Coding change: c.488_489del on transcript NM_003011.4 (MANE Select); coding-DNA positions 488 to 489, 2 bases deleted (GA; older notation c.488_489delGA).
Protein change: p.Gly163fs; shifts the reading frame from glycine 163.
Molecular consequence: frameshift variant.
Genome position (GRCh38, 1-based): chr9:128,692,977-128,692,978, GA deleted. VCF-style (leftmost placement, unchanged base first): chr9-128692976-GGA-G. GRCh37 (hg19) VCF-style: chr9-131455255-GGA-G.
Other names: c.527_528del, p.Gly176fs (NM_001374326.1, NM_001122821.2); c.461_462del, p.Gly154fs (NM_001248000.2); c.455_456del, p.Gly152fs (NM_001248001.2); short protein forms G152fs, G154fs, G163fs, G176fs.
Identifiers: ClinVar variation 2499108 (VCV002499108.28), dbSNP rs2490437540, ClinGen allele CA2580079746.

ClinVar aggregate classification (germline): Pathogenic (1 of 4 stars; one submission).

Submission:

CeGaT Center for Human Genetics Tuebingen
Classification: Pathogenic. Last evaluated: 2023-03-01. Review status: criteria provided, single submitter. Criteria: CeGaT Center For Human Genetics Tuebingen Variant Classification Criteria Version 2. Collection method: clinical testing. Allele origin: germline. Affected: yes. Observed: 1 variant allele.
Comment: SET: PVS1, PS2, PM2